The following is an entry in ClinVar:

NM_002693.3(POLG):c.1546G>A (p.Glu516Lys)

Gene: POLG (DNA polymerase gamma, catalytic subunit; minus strand). Cytogenetic location: 15q26.1.
Variant type: single nucleotide variant.
Coding change: c.1546G>A on transcript NM_002693.3 (MANE Select); coding-DNA position 1546, G replaced by A.
Protein change: p.Glu516Lys; replaces glutamic acid 516 with lysine.
Molecular consequence: missense variant.
Genome position (GRCh38, 1-based): chr15:89,326,951, C>T on the plus strand (G>A on the coding strand, the complement: POLG is on the minus strand). VCF-style: chr15-89326951-C-T. GRCh37 (hg19) VCF-style: chr15-89870182-C-T.
Other names: c.1546G>A, p.Glu516Lys (NM_001126131.2); short protein forms E516K.
Identifiers: ClinVar variation 3662551 (VCV003662551.2).
Genomic context (GRCh38, chr15:89,326,951, plus strand): 5'-CCTCCCACCCATGCTCCCCACCTTCCTGATCCATGGGATCACCAGGGGCCCCAGCCCCCT[C>T]GATGGGCAACTTGCTGGCTGTGGCTGGTTCCTTCTTCACCTTCTTAGCTTTCTTCTGCTT-3'
Protein context (NP_002684.1, residues 506-526): EPATASKLPI[Glu516Lys]GAGAPGDPMD

ClinVar aggregate classification (germline): Uncertain significance (1 of 4 stars; one submission).

Conditions:
Progressive sclerosing poliodystrophy (MTDPS4A). Also called: ALPERS PROGRESSIVE INFANTILE POLIODYSTROPHY; NEURONAL DEGENERATION OF CHILDHOOD WITH LIVER DISEASE, PROGRESSIVE; Alpers Syndrome; ALPERS DIFFUSE DEGENERATION OF CEREBRAL GRAY MATTER WITH HEPATIC CIRRHOSIS; Alpers-Huttenlocher Syndrome; Mitochondrial DNA depletion syndrome 4A (Alpers type). Identifiers: Orphanet 726, MedGen C0205710, MONDO:0008758, OMIM 203700.

gnomAD v4.1: 10 of 1,614,224 alleles (0.00062%); highest among the groups gnomAD compares: East Asian, 0.0067%; no homozygotes.

Submission:

Labcorp Genetics (formerly Invitae), Labcorp
Classification: Uncertain significance for Progressive sclerosing poliodystrophy. Last evaluated: 2025-01-02. Review status: criteria provided, single submitter. Criteria: Invitae Variant Classification Sherloc (09022015). Collection method: clinical testing. Allele origin: germline.
Comment: This sequence change replaces glutamic acid, which is acidic and polar, with lysine, which is basic and polar, at codon 516 of the POLG protein (p.Glu516Lys). This variant is present in population databases (rs767802442, gnomAD 0.006%). This variant has not been reported in the literature in individuals affected with POLG-related conditions. Invitae Evidence Modeling of protein sequence and biophysical properties (such as structural, functional, and spatial information, amino acid conservation, physicochemical variation, residue mobility, and thermodynamic stability) indicates that this missense variant is not expected to disrupt POLG protein function with a negative predictive value of 95%. In summary, the available evidence is currently insufficient to determine the role of this variant in disease. Therefore, it has been classified as a Variant of Uncertain Significance.